The following is an entry in ClinVar:

ClinVar aggregate classification (germline): Uncertain significance (1 of 4 stars; one submission).

Allele frequency attached by ClinVar (database versions not stated): gnomAD exomes 0.00002.
gnomAD v4.1: 24 of 1,612,798 alleles (0.0015%); highest among the groups gnomAD compares: Non-Finnish European, 0.002%; no homozygotes.

Submission:

Women's Health and Genetics/Laboratory Corporation of America, LabCorp
Classification: Uncertain significance. Last evaluated: 2022-12-28. Review status: criteria provided, single submitter. Criteria: LabCorp Variant Classification Summary - May 2015. Collection method: clinical testing. Allele origin: germline.
Comment: Variant summary: POLR1A c.4244C>T (p.Ala1415Val) results in a non-conservative amino acid change located in the RNA polymerase Rpb1, domain 5 (IPR007081) of the encoded protein sequence. Four of five in-silico tools predict a benign effect of the variant on protein function. The variant was absent in 249570 control chromosomes (gnomAD). The available data on variant occurrences in the general population are insufficient to allow any conclusion about variant significance. To our knowledge, no occurrence of c.4244C>T in individuals affected with Acrofacial Dysostosis Cincinnati Type and no experimental evidence demonstrating its impact on protein function have been reported. No clinical diagnostic laboratories have submitted clinical-significance assessments for this variant to ClinVar after 2014. Based on the evidence outlined above, the variant was classified as uncertain significance.

NM_015425.6(POLR1A):c.4244C>T (p.Ala1415Val)

Gene: POLR1A (RNA polymerase I subunit A; minus strand). Cytogenetic location: 2p11.2.
Variant type: single nucleotide variant.
Coding change: c.4244C>T on transcript NM_015425.6 (MANE Select); coding-DNA position 4244, C replaced by T.
Protein change: p.Ala1415Val; replaces alanine 1415 with valine.
Molecular consequence: missense variant.
Genome position (GRCh38, 1-based): chr2:86,032,300, G>A on the plus strand (C>T on the coding strand, the complement: POLR1A is on the minus strand). VCF-style: chr2-86032300-G-A. GRCh37 (hg19) VCF-style: chr2-86259423-G-A.
Other names: short protein forms A1415V.
Identifiers: ClinVar variation 1878396 (VCV001878396.1), dbSNP rs962656266, ClinGen allele CA51367247.